The following is an entry in ClinVar:

ClinVar aggregate classification (germline): Likely benign. Review status: criteria provided, multiple submitters, no conflicts (2 of 4 stars). 6 submissions from 6 submitters: Likely benign (6). Last evaluated 2024-11-17.

Conditions:
Hereditary cancer-predisposing syndrome. Also called: Neoplastic Syndromes, Hereditary; Tumor predisposition; Hereditary Cancer Syndrome; Hereditary neoplastic syndrome. Identifiers: Orphanet 140162, MedGen C0027672, MeSH D009386, MONDO:0015356.
BRCA2-related cancer predisposition. Identifiers: MedGen CN377758, MONDO:0700269.
Hereditary breast ovarian cancer syndrome. Also called: Hereditary breast and ovarian cancer syndrome; Hereditary breast and ovarian cancer; Hereditary breast and ovarian cancer syndrome (HBOC); Breast and ovarian cancer; Hereditary breast and/or ovarian cancer syndrome; BRCA1- and BRCA2-Associated Hereditary Breast and Ovarian Cancer. Identifiers: Orphanet 145, MedGen C0677776, MeSH D061325, MONDO:0003582. Disease mechanism: loss of function.

Allele frequency attached by ClinVar (database versions not stated): TOPMed below 0.00001.

Submissions (6):

Labcorp Genetics (formerly Invitae), Labcorp
Classification: Likely benign for Hereditary breast ovarian cancer syndrome. Last evaluated: 2024-11-17. Review status: criteria provided, single submitter. Criteria: Invitae Variant Classification Sherloc (09022015). Collection method: clinical testing. Allele origin: germline.

All of Us Research Program, National Institutes of Health
Classification: Likely benign for BRCA2-related cancer predisposition. Last evaluated: 2024-05-09. Review status: criteria provided, single submitter. Criteria: ACMG Guidelines, 2015. Collection method: clinical testing. Allele origin: germline. Inheritance: Autosomal dominant inheritance. Observed: 1 variant allele, 1 heterozygote.
Comment: This study involves interpretation of variants in research participants for the purpose of population health screening. Participant phenotype was not available at the time of variant classification. Additional details can be found in publication PMID: 35346344, PMCID: PMC8962531

GeneDx
Classification: Likely benign. Last evaluated: 2019-10-23. Review status: criteria provided, single submitter. Criteria: GeneDx Variant Classification Process June 2021. Collection method: clinical testing. Allele origin: germline. Affected: yes.
Comment: This variant is associated with the following publications: (PMID: 20731661)

Women's Health and Genetics/Laboratory Corporation of America, LabCorp
Classification: Likely benign. Last evaluated: 2019-08-21. Review status: criteria provided, single submitter. Criteria: LabCorp Variant Classification Summary - May 2015. Collection method: clinical testing. Allele origin: germline.

Color Diagnostics, LLC DBA Color Health
Classification: Likely benign for Hereditary cancer-predisposing syndrome. Last evaluated: 2016-11-15. Review status: criteria provided, single submitter. Criteria: ACMG Guidelines, 2015. Collection method: clinical testing. Allele origin: germline.

Ambry Genetics
Classification: Likely benign for Hereditary cancer-predisposing syndrome. Last evaluated: 2016-11-04. Review status: criteria provided, single submitter. Criteria: Ambry Variant Classification Scheme 2023. Collection method: clinical testing. Allele origin: germline.

NM_000059.4(BRCA2):c.114A>G (p.Glu38=)

Gene: BRCA2 (BRCA2 DNA repair associated; plus strand). Cytogenetic location: 13q13.1.
Variant type: single nucleotide variant.
Coding change: c.114A>G on transcript NM_000059.4 (MANE Select); coding-DNA position 114, A replaced by G.
Protein change: p.Glu38=; no amino-acid change (glutamic acid 38 retained).
Molecular consequence: synonymous variant.
Genome position (GRCh38, 1-based): chr13:32,319,123, A>G. VCF-style: chr13-32319123-A-G. GRCh37 (hg19) VCF-style: chr13-32893260-A-G.
Identifiers: ClinVar variation 481575 (VCV000481575.20), dbSNP rs1555280345, ClinGen allele CA483435757.
Genomic context (GRCh38, chr13:32,319,123, plus strand): 5'-TTTTTTTTAAATAGATTTAGGACCAATAAGTCTTAATTGGTTTGAAGAACTTTCTTCAGA[A>G]GCTCCACCCTATAATTCTGAACCTGCAGAAGAATCTGAACATAAAAACAACAATTACGAA-3'
Protein context (NP_000050.3, residues 28-48): SLNWFEELSS[Glu38=]APPYNSEPAE